The following is an entry in ClinVar:

NM_001014987.2(LAT):c.437C>T (p.Ala146Val)

Gene: LAT (linker for activation of T cells; plus strand). Cytogenetic location: 16p11.2.
Variant type: single nucleotide variant.
Coding change: c.437C>T on transcript NM_001014987.2 (MANE Select); coding-DNA position 437, C replaced by T.
Protein change: p.Ala146Val; replaces alanine 146 with valine.
Molecular consequence: missense variant.
Genome position (GRCh38, 1-based): chr16:28,986,837, C>T. VCF-style: chr16-28986837-C-T. GRCh37 (hg19) VCF-style: chr16-28998158-C-T.
Other names: c.434C>T, p.Ala145Val (NM_001014988.2); c.545C>T, p.Ala182Val (NM_001014989.2); c.524C>T, p.Ala175Val (NM_014387.4); short protein forms A145V, A146V, A182V, A175V.
Identifiers: ClinVar variation 1990039 (VCV001990039.1), dbSNP rs2506684590, ClinGen allele CA395442525.

ClinVar aggregate classification (germline): Uncertain significance (1 of 4 stars; one submission).

Allele frequency attached by ClinVar (database versions not stated): gnomAD exomes below 0.00001.
gnomAD v4.1: 2 of 1,614,140 alleles (0.00012%); highest among the groups gnomAD compares: Admixed American, 0.0017%; no homozygotes.

Submission:

Labcorp Genetics (formerly Invitae), Labcorp
Classification: Uncertain significance. Last evaluated: 2022-10-22. Review status: criteria provided, single submitter. Criteria: Invitae Variant Classification Sherloc (09022015). Collection method: clinical testing. Allele origin: germline.
Comment: This sequence change replaces alanine, which is neutral and non-polar, with valine, which is neutral and non-polar, at codon 146 of the LAT protein (p.Ala146Val). This variant is not present in population databases (gnomAD no frequency). This variant has not been reported in the literature in individuals affected with LAT-related conditions. Algorithms developed to predict the effect of missense changes on protein structure and function output the following: SIFT: "Tolerated"; PolyPhen-2: "Benign"; Align-GVGD: "Class C0". The valine amino acid residue is found in multiple mammalian species, which suggests that this missense change does not adversely affect protein function. In summary, the available evidence is currently insufficient to determine the role of this variant in disease. Therefore, it has been classified as a Variant of Uncertain Significance.